The following is an entry in ClinVar:

NM_145166.4(ZBTB47):c.464A>C (p.Tyr155Ser)

Gene: ZBTB47 (zinc finger and BTB domain containing 47; plus strand). Cytogenetic location: 3p22.1.
Variant type: single nucleotide variant.
Coding change: c.464A>C on transcript NM_145166.4 (MANE Select); coding-DNA position 464, A replaced by C.
Protein change: p.Tyr155Ser; replaces tyrosine 155 with serine.
Molecular consequence: missense variant.
Genome position (GRCh38, 1-based): chr3:42,658,819, A>C. VCF-style: chr3-42658819-A-C. GRCh37 (hg19) VCF-style: chr3-42700311-A-C.
Other names: c.548A>C, p.Tyr183Ser (NM_001410746.1); short protein forms Y155S, Y183S.
Identifiers: ClinVar variation 3366083 (VCV003366083.1).
Genomic context (GRCh38, chr3:42,658,819, plus strand): 5'-CGCCGCCCTACTACTGTGACATCAAGCAGGAGGCCGACACCCCAGGCCTGCCCAAGATCT[A>C]TGCCCGCGAGGGCCCTGACCCTTACTCGGTGCGTGTTGAGGACGGGGCAGGGACTGCTGG-3'
Protein context (NP_660149.2, residues 145-165): EADTPGLPKI[Tyr155Ser]AREGPDPYSV

ClinVar aggregate classification (germline): Uncertain significance (1 of 4 stars; one submission).

Submission:

GeneDx
Classification: Uncertain significance. Last evaluated: 2023-10-12. Review status: criteria provided, single submitter. Criteria: GeneDx Variant Classification Process June 2021. Collection method: clinical testing. Allele origin: germline. Affected: yes.
Comment: Has not been previously published as pathogenic or benign to our knowledge; In silico analysis supports that this missense variant has a deleterious effect on protein structure/function; Not observed at significant frequency in large population cohorts (gnomAD)